The following is an entry in ClinVar:

ClinVar aggregate classification (germline): Pathogenic. Review status: criteria provided, multiple submitters, no conflicts (2 of 4 stars). 4 submissions from 4 submitters: Pathogenic (3). 1 of the submissions does not count toward it. Last evaluated 2025-06-01.

Conditions:
Hereditary diffuse leukoencephalopathy with spheroids. Also called: LEUKOENCEPHALOPATHY, ADULT-ONSET, WITH AXONAL SPHEROIDS AND PIGMENTED GLIA. Identifiers: Orphanet 313808, MedGen C3711381, MONDO:0030796.

Allele frequency attached by ClinVar (database versions not stated): gnomAD exomes below 0.00001.
gnomAD v4.1: 1 of 1,614,126 alleles (0.000062%); highest among the groups gnomAD compares: Non-Finnish European, 0.000085%; no homozygotes.

Submissions (4):

Labcorp Genetics (formerly Invitae), Labcorp
Classification: Pathogenic. Last evaluated: 2025-06-01. Review status: criteria provided, single submitter. Criteria: Invitae Variant Classification Sherloc (09022015). Collection method: clinical testing. Allele origin: germline.
Comment: This sequence change replaces alanine, which is neutral and non-polar, with valine, which is neutral and non-polar, at codon 781 of the CSF1R protein (p.Ala781Val). This variant is not present in population databases (gnomAD no frequency). This missense change has been observed in individuals with clinical features of hereditary diffuse leukoencephalopathy with spheroids (PMID: 23816250, 24198292, 25563800; internal data). ClinVar contains an entry for this variant (Variation ID: 162118). Invitae Evidence Modeling of protein sequence and biophysical properties (such as structural, functional, and spatial information, amino acid conservation, physicochemical variation, residue mobility, and thermodynamic stability) has been performed for this missense variant. However, the output from this modeling did not meet the statistical confidence thresholds required to predict the impact of this variant on CSF1R protein function. This variant disrupts the p.Ala781 amino acid residue in CSF1R. Other variant(s) that disrupt this residue have been observed in individuals with CSF1R-related conditions (PMID: 24336230), which suggests that this may be a clinically significant amino acid residue. For these reasons, this variant has been classified as Pathogenic.

GeneDx
Classification: Pathogenic. Last evaluated: 2025-02-12. Review status: criteria provided, single submitter. Criteria: GeneDx Variant Classification Process June 2021. Collection method: clinical testing. Allele origin: germline. Affected: yes.
Comment: Identified in a patient with HDLS (PMID: 31827782); Identified in 2 siblings with dementia (PMID: 23816250); Published functional studies demonstrate impairment of CSF1R functional activity (PMID: 31827782); Not observed at significant frequency in large population cohorts (gnomAD); In silico analysis supports that this missense variant has a deleterious effect on protein structure/function; This variant is associated with the following publications: (PMID: 22934315, 25563800, 24198292, 27314966, 26633545, 31213485, 27338940, 34145972, 38785530, 34541732, 37253125, 35052351, 35713703, 23816250, 31827782)

Baylor Genetics
Classification: Pathogenic for Hereditary diffuse leukoencephalopathy with spheroids. Last evaluated: 2013-11-08. Review status: criteria provided, single submitter. Criteria: Yang et al. 2013. Collection method: clinical testing. Allele origin: germline. Inheritance: Autosomal dominant inheritance. Affected: yes. Observed: 1 variant allele, 1 heterozygote. Study: Adult_WES.

GeneReviews
No classification provided. Condition: Hereditary diffuse leukoencephalopathy with spheroids. Review status: no classification provided. Collection method: literature only. Allele origin: germline. Affected: yes. Not counted in ClinVar's aggregate classification.

Literature cited by the submitters: PubMed 23816250 (cited by Labcorp Genetics (formerly Invitae), Labcorp and Baylor Genetics); PubMed 24198292 (cited by Labcorp Genetics (formerly Invitae), Labcorp and GeneReviews); PubMed 25563800 (cited by Labcorp Genetics (formerly Invitae), Labcorp); PubMed 24336230 (cited by Labcorp Genetics (formerly Invitae), Labcorp); PubMed 26633545 (cited by Baylor Genetics); NCBI Bookshelf NBK100239 (cited by GeneReviews).

NM_001288705.3(CSF1R):c.2342C>T (p.Ala781Val)

Gene: CSF1R (colony stimulating factor 1 receptor; minus strand). Cytogenetic location: 5q32.
Variant type: single nucleotide variant.
Coding change: c.2342C>T on transcript NM_001288705.3 (MANE Select); coding-DNA position 2342, C replaced by T.
Protein change: p.Ala781Val; replaces alanine 781 with valine.
Molecular consequence: missense variant. On other transcripts: non-coding transcript variant (2).
Genome position (GRCh38, 1-based): chr5:150,056,319, G>A on the plus strand (C>T on the coding strand, the complement: CSF1R is on the minus strand). VCF-style: chr5-150056319-G-A. GRCh37 (hg19) VCF-style: chr5-149435882-G-A.
Other names: c.2342C>T, p.Ala781Val (NM_001349736.2, NM_001375320.1, NM_005211.4); c.1898C>T, p.Ala633Val (NM_001375321.1); short protein forms A781V, A633V.
Identifiers: ClinVar variation 162118 (VCV000162118.10), dbSNP rs587777247, ClinGen allele CA346082.
Genomic context (GRCh38, chr5:150,056,319, plus strand): 5'-CTAGCCAGCCCGAAGTCCCCAATCTTGGCCACATGACCATTGGTCAACAGCACGTTACGC[G>A]CTGCCACGTCCCGGTGGATGCACTGAGGGAAAGCACTGCAGGGTTAGTCTTGGGCCTTCT-3'
Protein context (NP_001275634.1, residues 771-791): SKNCIHRDVA[Ala781Val]RNVLLTNGHV